The following is an entry in ClinVar:

ClinVar aggregate classification (germline): Uncertain significance (1 of 4 stars; one submission).

Conditions:
Encephalopathy, acute, infection-induced (herpes-specific), susceptibility to, 1. Also called: Herpes simplex encephalitis, susceptibility to, 1. Identifiers: Orphanet 1930, MedGen C2750180, MONDO:0024563, OMIM 610551.

Allele frequency attached by ClinVar (database versions not stated): TOPMed 0.00002; gnomAD 0.00001; gnomAD exomes 0.00001.
gnomAD v4.1: 15 of 1,613,150 alleles (0.00093%); highest among the groups gnomAD compares: Admixed American, 0.005%; no homozygotes.

Submission:

Labcorp Genetics (formerly Invitae), Labcorp
Classification: Uncertain significance for Encephalopathy, acute, infection-induced (herpes-specific), susceptibility to, 1. Last evaluated: 2025-07-28. Review status: criteria provided, single submitter. Criteria: Invitae Variant Classification Sherloc (09022015). Collection method: clinical testing. Allele origin: germline.
Comment: This sequence change replaces histidine, which is basic and polar, with arginine, which is basic and polar, at codon 684 of the TLR3 protein (p.His684Arg). This variant is present in population databases (no rsID available, gnomAD 0.006%). This variant has not been reported in the literature in individuals affected with TLR3-related conditions. ClinVar contains an entry for this variant (Variation ID: 1035842). An algorithm developed to predict the effect of missense changes on protein structure and function (PolyPhen-2) suggests that this variant is likely to be tolerated. In summary, the available evidence is currently insufficient to determine the role of this variant in disease. Therefore, it has been classified as a Variant of Uncertain Significance.

NM_003265.3(TLR3):c.2051A>G (p.His684Arg)

Gene: TLR3 (toll like receptor 3; plus strand). Cytogenetic location: 4q35.1.
Variant type: single nucleotide variant.
Coding change: c.2051A>G on transcript NM_003265.3 (MANE Select); coding-DNA position 2051, A replaced by G.
Protein change: p.His684Arg; replaces histidine 684 with arginine.
Molecular consequence: missense variant.
Genome position (GRCh38, 1-based): chr4:186,083,737, A>G. VCF-style: chr4-186083737-A-G. GRCh37 (hg19) VCF-style: chr4-187004891-A-G.
Other names: short protein forms H684R.
Identifiers: ClinVar variation 1035842 (VCV001035842.7), dbSNP rs1254995294, ClinGen allele CA358934838.